The following is an entry in ClinVar:

NM_033004.4(NLRP1):c.3034C>T (p.Arg1012Trp)

Gene: NLRP1 (NLR family pyrin domain containing 1; minus strand). Cytogenetic location: 17p13.2.
Variant type: single nucleotide variant.
Coding change: c.3034C>T on transcript NM_033004.4 (MANE Select); coding-DNA position 3034, C replaced by T.
Protein change: p.Arg1012Trp; replaces arginine 1012 with tryptophan.
Molecular consequence: missense variant.
Genome position (GRCh38, 1-based): chr17:5,533,915, G>A on the plus strand (C>T on the coding strand, the complement: NLRP1 is on the minus strand). VCF-style: chr17-5533915-G-A. GRCh37 (hg19) VCF-style: chr17-5437235-G-A.
Other names: c.3034C>T, p.Arg1012Trp (NM_001033053.3, NM_014922.5); c.2944C>T, p.Arg982Trp (NM_033006.4, NM_033007.4); short protein forms R1012W, R982W.
Identifiers: ClinVar variation 636958 (VCV000636958.5), dbSNP rs779883990, ClinGen allele CA8326961.

ClinVar aggregate classification (germline): Uncertain significance. Review status: criteria provided, multiple submitters, no conflicts (2 of 4 stars). 2 submissions from 2 submitters: Uncertain significance (2). Last evaluated 2024-09-24.

Allele frequency attached by ClinVar (database versions not stated): TOPMed below 0.00001; gnomAD 0.00001; gnomAD exomes 0.00001; ExAC 0.00002.
gnomAD v4.1: 12 of 1,611,248 alleles (0.00074%); highest among the groups gnomAD compares: Middle Eastern, 0.016%; no homozygotes.

Submissions (2):

Blueprint Genetics
Classification: Uncertain significance. Last evaluated: 2024-09-24. Review status: criteria provided, single submitter. Criteria: ACMG Guidelines, 2015. Collection method: clinical testing. Allele origin: germline.

Labcorp Genetics (formerly Invitae), Labcorp
Classification: Uncertain significance. Last evaluated: 2023-04-19. Review status: criteria provided, single submitter. Criteria: Invitae Variant Classification Sherloc (09022015). Collection method: clinical testing. Allele origin: germline.
Comment: In summary, the available evidence is currently insufficient to determine the role of this variant in disease. Therefore, it has been classified as a Variant of Uncertain Significance. Algorithms developed to predict the effect of sequence changes on RNA splicing suggest that this variant may disrupt the consensus splice site. Algorithms developed to predict the effect of missense changes on protein structure and function output the following: SIFT: "Not Available"; PolyPhen-2: "Benign"; Align-GVGD: "Not Available". The tryptophan amino acid residue is found in multiple mammalian species, which suggests that this missense change does not adversely affect protein function. ClinVar contains an entry for this variant (Variation ID: 636958). This variant has not been reported in the literature in individuals affected with NLRP1-related conditions. This variant is present in population databases (rs779883990, gnomAD 0.003%). This sequence change replaces arginine, which is basic and polar, with tryptophan, which is neutral and slightly polar, at codon 1012 of the NLRP1 protein (p.Arg1012Trp).